The following is an entry in ClinVar:

NM_002439.5(MSH3):c.2518G>C (p.Val840Leu)

Gene: MSH3 (mutS homolog 3; plus strand). Cytogenetic location: 5q14.1.
Variant type: single nucleotide variant.
Coding change: c.2518G>C on transcript NM_002439.5 (MANE Select); coding-DNA position 2518, G replaced by C.
Protein change: p.Val840Leu; replaces valine 840 with leucine.
Molecular consequence: missense variant.
Genome position (GRCh38, 1-based): chr5:80,787,647, G>C. VCF-style: chr5-80787647-G-C. GRCh37 (hg19) VCF-style: chr5-80083466-G-C.
Other names: short protein forms V840L.
Identifiers: ClinVar variation 1051625 (VCV001051625.10), dbSNP rs1561478663, ClinGen allele CA360283383.

ClinVar aggregate classification (germline): Uncertain significance (1 of 4 stars; one submission).

Allele frequency attached by ClinVar (database versions not stated): gnomAD exomes below 0.00001.
gnomAD v4.1: 1 of 1,613,758 alleles (0.000062%); highest among the groups gnomAD compares: Non-Finnish European, 0.000085%; no homozygotes.

Submission:

Labcorp Genetics (formerly Invitae), Labcorp
Classification: Uncertain significance. Last evaluated: 2022-03-05. Review status: criteria provided, single submitter. Criteria: Invitae Variant Classification Sherloc (09022015). Collection method: clinical testing. Allele origin: germline.
Comment: In summary, the available evidence is currently insufficient to determine the role of this variant in disease. Therefore, it has been classified as a Variant of Uncertain Significance. Algorithms developed to predict the effect of missense changes on protein structure and function are either unavailable or do not agree on the potential impact of this missense change (SIFT: "Tolerated"; PolyPhen-2: "Possibly Damaging"; Align-GVGD: "Class C0"). ClinVar contains an entry for this variant (Variation ID: 1051625). This variant has not been reported in the literature in individuals affected with MSH3-related conditions. This variant is not present in population databases (gnomAD no frequency). This sequence change replaces valine, which is neutral and non-polar, with leucine, which is neutral and non-polar, at codon 840 of the MSH3 protein (p.Val840Leu).